The following is an entry in ClinVar:

ClinVar aggregate classification (germline): Pathogenic. Review status: criteria provided, multiple submitters, no conflicts (2 of 4 stars). 9 submissions from 9 submitters: Pathogenic (6). 3 of the submissions do not count toward it. Last evaluated 2025-09-07.

Conditions:
RET-related disorder. Also called: RET-related condition; RET-related disease; RET-related disorders.
Hereditary cancer-predisposing syndrome. Also called: Neoplastic Syndromes, Hereditary; Tumor predisposition; Hereditary neoplastic syndrome; Hereditary Cancer Syndrome. Identifiers: Orphanet 140162, MedGen C0027672, MeSH D009386, MONDO:0015356.
Aganglionic megacolon (HSCR). Also called: Hirschsprung's disease; Hirschsprung disease. Identifiers: Orphanet 388, MedGen C0019569, MeSH D006627, MONDO:0018309, HP:0002251.
Multiple endocrine neoplasia, type 2 (MEN2). Identifiers: Orphanet 653, MedGen C4048306, MONDO:0019003. Disease mechanism: gain of function.
Familial medullary thyroid carcinoma (MTC). Also called: Thyroid cancer, familial medullary; MTC, familial; Familial Medullary Thyroid Carcinoma (FMTC). Identifiers: Orphanet 653, Orphanet 99361, MedGen C1833921, MONDO:0007958, OMIM 155240.

Submissions (9):

Labcorp Genetics (formerly Invitae), Labcorp
Classification: Pathogenic for Multiple endocrine neoplasia, type 2. Last evaluated: 2025-09-07. Review status: criteria provided, single submitter. Criteria: Invitae Variant Classification Sherloc (09022015). Collection method: clinical testing. Allele origin: germline.
Comment: This sequence change replaces cysteine, which is neutral and slightly polar, with arginine, which is basic and polar, at codon 609 of the RET protein (p.Cys609Arg). This variant is not present in population databases (gnomAD no frequency). This missense change has been observed in individuals with clinical features of multiple endocrine neoplasia type 2 and/or Hirschsprung disease (PMID: 8807338, 10982477, 20516206, 23278115, 23744765, 30763276). It has also been observed to segregate with disease in related individuals. ClinVar contains an entry for this variant (Variation ID: 13944). An algorithm developed to predict the effect of missense changes on protein structure and function (PolyPhen-2) suggests that this variant is likely to be disruptive. This variant disrupts the p.Cys609 amino acid residue in RET. Other variant(s) that disrupt this residue have been determined to be pathogenic (PMID: 9230192, 9681851, 16715139, 19472011, 21986619, 24617864). This suggests that this residue is clinically significant, and that variants that disrupt this residue are likely to be disease-causing. For these reasons, this variant has been classified as Pathogenic.

Color Diagnostics, LLC DBA Color Health
Classification: Pathogenic for Multiple endocrine neoplasia, type 2. Last evaluated: 2024-09-23. Review status: criteria provided, single submitter. Criteria: ACMG Guidelines, 2015. Collection method: clinical testing. Allele origin: germline.
Comment: This missense variant replaces cysteine with arginine at codon 609 of the RET protein. Computational prediction suggests that this variant may have deleterious impact on protein structure and function. Functional studies have shown that this variant induces constitutive RET catalytic activity due to the aberrant disulide homodimerization of RET (PMID: 9879991). This variant has been reported in individuals affected with medullary thyroid carcinoma and multiple endocrine neoplasia type 2A (PMID: 8807338, 10982477, 17188172,17895320, 20516206, 20979234, 23278115, 28647780, 31043326, 33827484). Other variants at this codon are known to be disease causing (ClinVar Variation IDs: 13933, 38284, 1372611, 2497944). This variant has not been identified in the general population by the Genome Aggregation Database (gnomAD). Based on the available evidence, this variant is classified as Pathogenic.

All of Us Research Program, National Institutes of Health
Classification: Pathogenic for Multiple endocrine neoplasia, type 2. Last evaluated: 2024-07-23. Review status: criteria provided, single submitter. Criteria: ACMG Guidelines, 2015. Collection method: clinical testing. Allele origin: germline. Inheritance: Autosomal dominant inheritance. Observed: 1 variant allele, 1 heterozygote.
Comment: Functional studies suggest that this variant results in a deleterious effect on the protein (PMID: 9879991) .This variant has been reported in multiple individuals with multiple endocrine neoplasia (PMID: 8807338, 23278115, 17188172, 17895320, 20979234, 33827484). This variant is absent from or rare in large population databases, including the Genome Aggregation Database. Other missense substitutions at this amino acid residue have been previously reported in individuals with disease and classified as pathogenic, which supports the functional importance of this position. This variant is predicted to be deleterious by in silico analysis.

This study involves interpretation of variants in research participants for the purpose of population health screening. Participant phenotype was not available at the time of variant classification. Additional details can be found in publication PMID: 35346344, PMCID: PMC8962531

Mayo Clinic Laboratories, Mayo Clinic
Classification: Pathogenic. Last evaluated: 2024-01-08. Review status: criteria provided, single submitter. Criteria: ACMG Guidelines, 2015. Collection method: clinical testing. Allele origin: germline. Observed: 1 variant allele.
Comment: PP4, PM2_moderate, PM5, PS3, PS4_moderate

Ambry Genetics
Classification: Pathogenic for Hereditary cancer-predisposing syndrome. Last evaluated: 2019-07-02. Review status: criteria provided, single submitter. Criteria: Ambry Variant Classification Scheme 2023. Collection method: clinical testing. Allele origin: germline.
Comment: The p.C609R pathogenic mutation (also known as c.1825T>C), located in coding exon 10 of the RET gene, results from a T to C substitution at nucleotide position 1825. The cysteine at codon 609 is replaced by arginine, an amino acid with highly dissimilar properties. This mutation has been reported in multiple families meeting criteria for MEN2, many of which also had individuals diagnosed with Hirschprung disease (Barbieri RB et al. Clin. Endocrinol. (Oxf) 2013 Aug;79(2):288-93; Bugalho MJ et al. Surgery 2007 Jan;141(1):90-5; Frank-Raue K et al. Hum. Mutat. 2011 Jan;32(1):51-8; Vertanen VB et al. Endocr. Relat. Cancer 2013 Aug;20(4):595-602; Elisei R et al. J. Clin. Endocrinol. Metab. 2007 Dec;92(12):4725-9). Additionally, two well characterized mutations at this position, p.C609S and p.C609G, have been reported in multiple families with MEN2 (Quayle FJ et al. Surgery 2007 Dec;142(6):800-5; discussion 805.e1; Fitze G et al. Am. J. Med. Genet. A 2004 Sep;129A(3):323-5; Simon SJ et al. J. Pediatr. Surg. 2002 Jun;37(6):897-900). Based on the supporting evidence, this alteration is interpreted as a disease-causing mutation.

GeneDx
Classification: Pathogenic. Last evaluated: 2015-06-16. Review status: criteria provided, single submitter. Criteria: GeneDx Variant Classification (06012015). Collection method: clinical testing. Allele origin: germline. Affected: yes.
Comment: The C609R pathogenic variant has been report previously in association with multiple endocrine neoplasia type 2A (Kambouris et al., 1996; Barbieri et al., 2013). In vitro function studies demonstrated that C609R confers a gain-of-function to the protein resulting in enhanced tyrosine autophosphorylation and the ability to phosphorylate downstream target effectors (Chappuis-Flament et al., 1998). The C609R substitution was not observed in approximately 6,500 individuals of European and African American ancestry in the NHLBI Exome Sequencing Project, indicating it is not a common benign variant in these populations. The C609R variant is a non-conservative amino acid substitution that occurs at a position that is conserved across species. In silico analysis predicts this variant is probably damaging to the protein structure/function. Missense variants in the same residue (C609S, C609G, C609R, C609F, C609Y, C609W) have been reported in the Human Gene Mutation Database in association with RET-related disorders (Stenson et al., 2014). Therefore, we interpret C609R as a pathogenic variant.

PreventionGenetics, part of Exact Sciences
Classification: Pathogenic for RET-related condition. Last evaluated: 2024-09-18. Review status: no assertion criteria provided. Collection method: clinical testing. Allele origin: germline. Not counted in ClinVar's aggregate classification.
Comment: The RET c.1825T>C variant is predicted to result in the amino acid substitution p.Cys609Arg. This variant has been reported in individuals with multiple endocrine neoplasia, familial medullary thyroid carcinoma, and Hirschsprung disease (Kambouris et al. 1996. PubMed ID: 8807338; Romei et al. 2010. PubMed ID: 20516206; Virtanen et al. 2013. PubMed ID: 23744765; Table 3, Maciel et al. 2019. PubMed ID: 30763276; Table 2, Elisei et al. 2019. PubMed ID: 31510104; de novo, Vaknin et al. 2021. PubMed ID: 34918830; Family 1, Munnes et al. 2000. PubMed ID: 10982477). In vitro functional studies demonstrate that expression of this variant affects RET transforming activity and results in reduced cell surface expression (Chappuis-Flament et al. 1998. PubMed ID: 9879991). This variant has not been reported in a large population database, indicating it is rare. This variant is interpreted as pathogenic in the ClinVar database. Several different missense changes impacting the same amino acid (p.Cys609) have also been reported in individuals with RET-related syndromes (see for example: Romei et al. 2010. PubMed ID: 20516206; Rich et al. 2014. PubMed ID: 24617864; Maciel et al. 2019. PubMed ID: 30763276). This variant is interpreted as pathogenic.

Human Genomics Unit, Institute for molecular medicine Finland (FIMM)
Classification: Likely pathogenic for Hirschsprung disease. Last evaluated: 2013-01-01. Review status: no assertion criteria provided. Collection method: research. Allele origin: unknown. Affected: yes. Observed: 1 variant allele. Not counted in ClinVar's aggregate classification.

OMIM
Classification: Pathogenic for THYROID CARCINOMA, FAMILIAL MEDULLARY. Last evaluated: 2000-09-04. Review status: no assertion criteria provided. Collection method: literature only. Allele origin: germline. Not counted in ClinVar's aggregate classification.

Literature cited by the submitters: PubMed 8807338 (cited by 3 submitters); PubMed 10982477 (cited by 4 submitters); PubMed 20516206 (cited by 3 submitters); PubMed 23278115 (cited by 3 submitters); PubMed 23744765 (cited by Labcorp Genetics (formerly Invitae), Labcorp); PubMed 30763276 (cited by Labcorp Genetics (formerly Invitae), Labcorp and Mayo Clinic Laboratories, Mayo Clinic); PubMed 9230192 (cited by Labcorp Genetics (formerly Invitae), Labcorp); PubMed 9681851 (cited by Labcorp Genetics (formerly Invitae), Labcorp); PubMed 16715139 (cited by Labcorp Genetics (formerly Invitae), Labcorp); PubMed 19472011 (cited by Labcorp Genetics (formerly Invitae), Labcorp); PubMed 21986619 (cited by Labcorp Genetics (formerly Invitae), Labcorp); PubMed 24617864 (cited by Labcorp Genetics (formerly Invitae), Labcorp); PubMed 9879991 (cited by 3 submitters); PubMed 17188172 (cited by Color Diagnostics, LLC DBA Color Health and All of Us Research Program, National Institutes of Health); PubMed 17895320 (cited by 3 submitters); PubMed 20979234 (cited by Color Diagnostics, LLC DBA Color Health and All of Us Research Program, National Institutes of Health); PubMed 28647780 (cited by Color Diagnostics, LLC DBA Color Health); PubMed 31043326 (cited by Color Diagnostics, LLC DBA Color Health); PubMed 33827484 (cited by Color Diagnostics, LLC DBA Color Health and All of Us Research Program, National Institutes of Health); PubMed 15771139 (cited by Mayo Clinic Laboratories, Mayo Clinic); PubMed 16707008 (cited by Mayo Clinic Laboratories, Mayo Clinic).

NM_020975.6(RET):c.1825T>C (p.Cys609Arg)

Gene: RET (ret proto-oncogene; plus strand). Cytogenetic location: 10q11.21.
Variant type: single nucleotide variant.
Coding change: c.1825T>C on transcript NM_020975.6 (MANE Select); coding-DNA position 1825, T replaced by C.
Protein change: p.Cys609Arg; replaces cysteine 609 with arginine.
Molecular consequence: missense variant.
Genome position (GRCh38, 1-based): chr10:43,113,621, T>C. VCF-style: chr10-43113621-T-C. GRCh37 (hg19) VCF-style: chr10-43609069-T-C.
Other names: c.1537T>C, p.Cys513Arg (NM_001406766.1, NM_001406767.1, NM_001406770.1); c.1696T>C, p.Cys566Arg (NM_001406768.1, NM_001406761.1, NM_001406762.1 and 1 more transcripts); c.1429T>C, p.Cys477Arg (NM_001406769.1, NM_001406772.1); c.1387T>C, p.Cys463Arg (NM_001406771.1, NM_001406773.1); c.1300T>C, p.Cys434Arg (NM_001406774.1); c.1099T>C, p.Cys367Arg (NM_001406775.1, NM_001406776.1, NM_001406777.1 and 1 more transcripts); c.1825T>C, p.Cys609Arg (NM_000323.2, NM_001406743.1, NM_001406744.1 and 6 more transcripts); c.1063T>C, p.Cys355Arg (NM_001355216.2); and 5 more; short protein forms C609R, C355R, C126R, C434R, C310R, C279R, C367R, C477R.
Identifiers: ClinVar variation 13944 (VCV000013944.19), dbSNP rs77558292, ClinGen allele CA007804.